The following is an entry in ClinVar:

ClinVar aggregate classification (germline): Uncertain significance (1 of 4 stars; one submission).

Conditions:
Singleton-Merten syndrome 1 (SGMRT1). Also called: Widened medullary cavities of bone, aortic calcification, abnormal dentition, and muscular weakness; Syndrome of widened medullary cavities of the metacarpals and phalanges, aortic calcification and abnormal dentition. Identifiers: Orphanet 85191, MedGen C4225427, MONDO:0024535, OMIM 182250.
Aicardi-Goutieres syndrome 7 (AGS7). Identifiers: Orphanet 51, MedGen C3888244, MONDO:0014367, OMIM 615846.

Submission:

Labcorp Genetics (formerly Invitae), Labcorp
Classification: Uncertain significance for Aicardi-Goutieres syndrome 7; Singleton-Merten syndrome 1. Last evaluated: 2024-05-15. Review status: criteria provided, single submitter. Criteria: Invitae Variant Classification Sherloc (09022015). Collection method: clinical testing. Allele origin: germline.
Comment: This sequence change replaces glycine, which is neutral and non-polar, with cysteine, which is neutral and slightly polar, at codon 281 of the IFIH1 protein (p.Gly281Cys). This variant is not present in population databases (gnomAD no frequency). This variant has not been reported in the literature in individuals affected with IFIH1-related conditions. Advanced modeling of protein sequence and biophysical properties (such as structural, functional, and spatial information, amino acid conservation, physicochemical variation, residue mobility, and thermodynamic stability) has been performed at Invitae for this missense variant, however the output from this modeling did not meet the statistical confidence thresholds required to predict the impact of this variant on IFIH1 protein function. In summary, the available evidence is currently insufficient to determine the role of this variant in disease. Therefore, it has been classified as a Variant of Uncertain Significance.

NM_022168.4(IFIH1):c.841G>T (p.Gly281Cys)

Gene: IFIH1 (interferon induced with helicase C domain 1; minus strand). Cytogenetic location: 2q24.2.
Variant type: single nucleotide variant.
Coding change: c.841G>T on transcript NM_022168.4 (MANE Select); coding-DNA position 841, G replaced by T.
Protein change: p.Gly281Cys; replaces glycine 281 with cysteine.
Molecular consequence: missense variant.
Genome position (GRCh38, 1-based): chr2:162,293,597, C>A on the plus strand (G>T on the coding strand, the complement: IFIH1 is on the minus strand). VCF-style: chr2-162293597-C-A. GRCh37 (hg19) VCF-style: chr2-163150107-C-A.
Other names: short protein forms G281C.
Identifiers: ClinVar variation 2952428 (VCV002952428.3), dbSNP rs2105214693, ClinGen allele CA349005935.